The following is an entry in ClinVar:

NM_000051.4(ATM):c.2611G>A (p.Glu871Lys)

Gene: ATM (ATM serine/threonine kinase; plus strand). Cytogenetic location: 11q22.3.
Variant type: single nucleotide variant.
Coding change: c.2611G>A on transcript NM_000051.4 (MANE Select); coding-DNA position 2611, G replaced by A.
Protein change: p.Glu871Lys; replaces glutamic acid 871 with lysine.
Molecular consequence: missense variant.
Genome position (GRCh38, 1-based): chr11:108,267,315, G>A. VCF-style: chr11-108267315-G-A. GRCh37 (hg19) VCF-style: chr11-108138042-G-A.
Other names: c.2611G>A, p.Glu871Lys (NM_001351834.2); short protein forms E871K.
Identifiers: ClinVar variation 821569 (VCV000821569.15), dbSNP rs1591588632, ClinGen allele CA382544165.

ClinVar aggregate classification (germline): Uncertain significance. Review status: criteria provided, multiple submitters, no conflicts (2 of 4 stars). 4 submissions from 4 submitters: Uncertain significance (4). Last evaluated 2025-10-01.

Conditions:
Ataxia-telangiectasia syndrome (AT). Also called: Ataxia telangiectasia (A-T); ATAXIA-TELANGIECTASIA, COMPLEMENTATION GROUP A; ATAXIA-TELANGIECTASIA, FRESNO VARIANT; Ataxia-telangiectasia; LOUIS-BAR SYNDROME; Ataxia-telangiectasia, complementation group E. Identifiers: Orphanet 100, MedGen C0004135, MONDO:0008840, OMIM 208900.
Hereditary cancer-predisposing syndrome. Also called: Tumor predisposition; Hereditary neoplastic syndrome; Neoplastic Syndromes, Hereditary; Hereditary Cancer Syndrome. Identifiers: Orphanet 140162, MedGen C0027672, MeSH D009386, MONDO:0015356.

Submissions (4):

CeGaT Center for Human Genetics Tuebingen
Classification: Uncertain significance. Last evaluated: 2025-10-01. Review status: criteria provided, single submitter. Criteria: CeGaT Center For Human Genetics Tuebingen Variant Classification Criteria Version 2. Collection method: clinical testing. Allele origin: germline. Affected: yes. Observed: 1 variant allele.
Comment: ATM: PM2, BP4

Labcorp Genetics (formerly Invitae), Labcorp
Classification: Uncertain significance for Ataxia-telangiectasia syndrome. Last evaluated: 2025-09-24. Review status: criteria provided, single submitter. Criteria: Invitae Variant Classification Sherloc (09022015). Collection method: clinical testing. Allele origin: germline.
Comment: This sequence change replaces glutamic acid, which is acidic and polar, with lysine, which is basic and polar, at codon 871 of the ATM protein (p.Glu871Lys). This variant is not present in population databases (gnomAD no frequency). This variant has not been reported in the literature in individuals affected with ATM-related conditions. ClinVar contains an entry for this variant (Variation ID: 821569). Invitae Evidence Modeling of protein sequence and biophysical properties (such as structural, functional, and spatial information, amino acid conservation, physicochemical variation, residue mobility, and thermodynamic stability) indicates that this missense variant is not expected to disrupt ATM protein function with a negative predictive value of 95%. In summary, the available evidence is currently insufficient to determine the role of this variant in disease. Therefore, it has been classified as a Variant of Uncertain Significance.

GeneDx
Classification: Uncertain significance. Last evaluated: 2023-09-28. Review status: criteria provided, single submitter. Criteria: GeneDx Variant Classification Process June 2021. Collection method: clinical testing. Allele origin: germline.
Comment: Not observed at significant frequency in large population cohorts (gnomAD); In silico analysis supports that this missense variant does not alter protein structure/function; Has not been previously published as pathogenic or benign to our knowledge

Ambry Genetics
Classification: Uncertain significance for Hereditary cancer-predisposing syndrome. Last evaluated: 2018-02-21. Review status: criteria provided, single submitter. Criteria: Ambry Variant Classification Scheme 2023. Collection method: clinical testing. Allele origin: germline.